The following is an entry in ClinVar:

ClinVar aggregate classification (germline): Uncertain significance (1 of 4 stars; one submission).

Conditions:
Inborn genetic diseases. Identifiers: MedGen C0950123, MeSH D030342.

Submission:

Ambry Genetics
Classification: Uncertain significance for Inborn genetic diseases. Last evaluated: 2022-06-15. Review status: criteria provided, single submitter. Criteria: Ambry Variant Classification Scheme 2023. Collection method: clinical testing. Allele origin: germline.
Comment: The p.N420K variant (also known as c.1260T>G), located in coding exon 11 of the LRRK2 gene, results from a T to G substitution at nucleotide position 1260. The asparagine at codon 420 is replaced by lysine, an amino acid with similar properties. This amino acid position is conserved. In addition, this alteration is predicted to be tolerated by in silico analysis. Since supporting evidence is limited at this time, the clinical significance of this alteration remains unclear.

NM_198578.4(LRRK2):c.1260T>G (p.Asn420Lys)

Gene: LRRK2 (leucine rich repeat kinase 2; plus strand). Cytogenetic location: 12q12.
Variant type: single nucleotide variant.
Coding change: c.1260T>G on transcript NM_198578.4 (MANE Select); coding-DNA position 1260, T replaced by G.
Protein change: p.Asn420Lys; replaces asparagine 420 with lysine.
Molecular consequence: missense variant.
Genome position (GRCh38, 1-based): chr12:40,252,988, T>G. VCF-style: chr12-40252988-T-G. GRCh37 (hg19) VCF-style: chr12-40646790-T-G.
Other names: short protein forms N420K.
Identifiers: ClinVar variation 1763167 (VCV001763167.2), dbSNP rs1942345799, ClinGen allele CA384409550.